The following is an entry in ClinVar:

NM_000088.4(COL1A1):c.1797del (p.Val600fs)

Gene: COL1A1 (collagen type I alpha 1 chain; minus strand). Cytogenetic location: 17q21.33.
Variant type: Deletion.
Coding change: c.1797del on transcript NM_000088.4 (MANE Select); coding-DNA position 1797, one base deleted (T; older notation c.1797delT).
Protein change: p.Val600fs; shifts the reading frame from valine 600.
Molecular consequence: frameshift variant.
Genome position (GRCh38, 1-based): chr17:50,193,018, A deleted on the plus strand (T on the coding strand, the reverse complement: COL1A1 is on the minus strand). VCF-style (leftmost placement, unchanged base first): chr17-50193017-CA-C. GRCh37 (hg19) VCF-style: chr17-48270378-CA-C.
Other names: short protein forms V600fs.
Identifiers: ClinVar variation 1074064 (VCV001074064.7), dbSNP rs2144565641, ClinGen allele CA2499224730.

ClinVar aggregate classification (germline): Pathogenic (1 of 4 stars; one submission).

Conditions:
Osteogenesis imperfecta type I (OI1). Also called: OI, TYPE I; OSTEOGENESIS IMPERFECTA TARDA; OSTEOGENESIS IMPERFECTA WITH BLUE SCLERAE; Osteogenesis imperfecta type 1; Classic Non-deforming Osteogenesis Imperfecta with Blue Sclerae; Lobstein's Disease. Identifiers: Orphanet 216796, Orphanet 666, MedGen C0023931, MONDO:0008146, OMIM 166200. Disease mechanism: loss of function.

Submission:

Labcorp Genetics (formerly Invitae), Labcorp
Classification: Pathogenic for Osteogenesis imperfecta type I. Last evaluated: 2020-08-21. Review status: criteria provided, single submitter. Criteria: Invitae Variant Classification Sherloc (09022015). Collection method: clinical testing. Allele origin: germline.
Comment: This variant is not present in population databases (ExAC no frequency). This sequence change creates a premature translational stop signal (p.Val600Phefs*166) in the COL1A1 gene. It is expected to result in an absent or disrupted protein product. This variant has not been reported in the literature in individuals with COL1A1-related conditions. Loss-of-function variants in COL1A1 are known to be pathogenic (PMID: 7942841, 9295084, 9443882). For these reasons, this variant has been classified as Pathogenic.

Literature cited by the submitters: PubMed 7942841; PubMed 9295084; PubMed 9443882.